The following is an entry in ClinVar:

ClinVar aggregate classification (germline): Likely benign (1 of 4 stars; one submission).

Submission:

CeGaT Center for Human Genetics Tuebingen
Classification: Likely benign. Last evaluated: 2024-08-01. Review status: criteria provided, single submitter. Criteria: CeGaT Center For Human Genetics Tuebingen Variant Classification Criteria Version 2. Collection method: clinical testing. Allele origin: germline. Affected: yes. Observed: 1 variant allele.
Comment: BCL9: BP4, BP7

NM_004326.4(BCL9):c.2580T>A (p.Ile860=)

Gene: BCL9 (BCL9 transcription coactivator; plus strand). Cytogenetic location: 1q21.2.
Variant type: single nucleotide variant.
Coding change: c.2580T>A on transcript NM_004326.4 (MANE Select); coding-DNA position 2580, T replaced by A.
Protein change: p.Ile860=; no amino-acid change (isoleucine 860 retained).
Molecular consequence: synonymous variant.
Genome position (GRCh38, 1-based): chr1:147,620,735, T>A. VCF-style: chr1-147620735-T-A. GRCh37 (hg19) VCF-style: chr1-147092541-T-A.
Identifiers: ClinVar variation 3341765 (VCV003341765.16).